The following is an entry in ClinVar:

NM_000059.4(BRCA2):c.703A>C (p.Asn235His)

Gene: BRCA2 (BRCA2 DNA repair associated; plus strand). Cytogenetic location: 13q13.1.
Variant type: single nucleotide variant.
Coding change: c.703A>C on transcript NM_000059.4 (MANE Select); coding-DNA position 703, A replaced by C.
Protein change: p.Asn235His; replaces asparagine 235 with histidine.
Molecular consequence: missense variant. On other transcripts: non-coding transcript variant (1).
Genome position (GRCh38, 1-based): chr13:32,330,940, A>C. VCF-style: chr13-32330940-A-C. GRCh37 (hg19) VCF-style: chr13-32905077-A-C.
Other names: p.Asn235His; c.703A>C, p.Asn235His (NM_001406719.1, NM_001406720.1, NM_001406721.1 and 1 more transcripts); c.334A>C, p.Asn112His (NM_001406722.1); short protein forms N112H, N235H.
Identifiers: ClinVar variation 4683788 (VCV004683788.1).

ClinVar aggregate classification (germline): Likely benign (1 of 4 stars; one submission).

Submission:

Mayo Clinic Laboratories, Mayo Clinic
Classification: Likely benign. Last evaluated: 2024-12-17. Review status: criteria provided, single submitter. Criteria: ACMG Guidelines, 2015. Collection method: clinical testing. Allele origin: germline. Observed: 1 variant allele.
Comment: BP1_strong